The following is an entry in ClinVar:

NM_000419.5(ITGA2B):c.1993C>T (p.Gln665Ter)

Gene: ITGA2B (integrin subunit alpha 2b; minus strand). Cytogenetic location: 17q21.31.
Variant type: single nucleotide variant.
Coding change: c.1993C>T on transcript NM_000419.5 (MANE Select); coding-DNA position 1993, C replaced by T.
Protein change: p.Gln665Ter; replaces glutamine 665 with a stop codon.
Molecular consequence: nonsense.
Genome position (GRCh38, 1-based): chr17:44,378,463, G>A on the plus strand (C>T on the coding strand, the complement: ITGA2B is on the minus strand). VCF-style: chr17-44378463-G-A. GRCh37 (hg19) VCF-style: chr17-42455831-G-A.
Other names: NM_000419.5:c.1993C>T; short protein forms Q665*.
Identifiers: ClinVar variation 1330328 (VCV001330328.1), dbSNP rs1472992102, ClinGen allele CA399801004.

ClinVar aggregate classification (germline): Pathogenic (3 of 4 stars; one submission).

Conditions:
Glanzmann thrombasthenia. Also called: THROMBASTHENIA OF GLANZMANN AND NAEGELI; BLEEDING DISORDER, PLATELET-TYPE, 2; Thrombasthenia; PLATELET GLYCOPROTEIN IIb-IIIa DEFICIENCY; Glanzmann's thrombasthenia. Identifiers: Orphanet 849, MedGen C0040015, MONDO:0100326.

Allele frequency attached by ClinVar (database versions not stated): gnomAD exomes below 0.00001.

Submission:

ClinGen Platelet Disorders Variant Curation Expert Panel, ClinGen
Classification: Pathogenic for Glanzmann thrombasthenia. Last evaluated: 2021-06-30. Review status: reviewed by expert panel. Criteria: ClinGen Platelet ACMG Specifications v2. Collection method: curation. Allele origin: germline. Inheritance: Autosomal recessive inheritance.
Comment: The NM_000419.5(ITGA2B):c.1993C>T (p.Gln665Ter) nonsense variant creates a premature stop codon in exon 20/30 leading to nonsense mediated decay in a gene in which loss-of-function is an established disease mechanism (PVS1). At least one proband has been reported with this variant, GT37 of PMID: 29675921 who meets the criteria for PP4_strong. GT37 is homozygous for Gln665Ter (PM3_supporting). The highest population minor allele frequency in gnomAD 2.1.1 is 0.00005461 (1/18310alleles) in the East Asian population (PM2_Supporting). In summary, this variant meets the criteria to be classified as Pathogenic for autosomal recessive Glanzmann Thrombasthenia based on the ACMG/AMP criteria applied, as specified by the ClinGen PD VCEP: PVS1, PM2_supporting, PM3_supporting, PP4_strong. (VCEP specifications version 2; date of approval xx/xx/xxxx)